The following is an entry in ClinVar:

ClinVar aggregate classification (germline): Likely benign. Review status: criteria provided, multiple submitters, no conflicts (2 of 4 stars). 2 submissions from 2 submitters: Likely benign (2). Last evaluated 2025-01-30.

Allele frequency attached by ClinVar (database versions not stated): ESP Exome Variant Server 0.00015; gnomAD 0.00019 and 0.00015; gnomAD exomes 0.00002 and 0.00004; TOPMed 0.00017; ExAC 0.00005.

Submissions (2):

Labcorp Genetics (formerly Invitae), Labcorp
Classification: Likely benign. Last evaluated: 2025-01-30. Review status: criteria provided, single submitter. Criteria: Invitae Variant Classification Sherloc (09022015). Collection method: clinical testing. Allele origin: germline.

GeneDx
Classification: Likely benign. Last evaluated: 2017-06-13. Review status: criteria provided, single submitter. Criteria: GeneDx Variant Classification (06012015). Collection method: clinical testing. Allele origin: germline. Affected: yes.
Comment: This variant is considered likely benign or benign based on one or more of the following criteria: it is a conservative change, it occurs at a poorly conserved position in the protein, it is predicted to be benign by multiple in silico algorithms, and/or has population frequency not consistent with disease.

NM_014254.3(RXYLT1):c.1170G>A (p.Lys390=)

Genes: RXYLT1 (ribitol xylosyltransferase 1; plus strand), RXYLT1-AS1 (RXYLT1 antisense RNA 1; minus strand). Cytogenetic location: 12q14.2.
Variant type: single nucleotide variant.
Coding change: c.1170G>A on transcript NM_014254.3 (MANE Select); coding-DNA position 1170, G replaced by A.
Protein change: p.Lys390=; no amino-acid change (lysine 390 retained).
Molecular consequence: synonymous variant. On other transcripts: non-coding transcript variant (1).
Genome position (GRCh38, 1-based): chr12:63,808,930, G>A. VCF-style: chr12-63808930-G-A. GRCh37 (hg19) VCF-style: chr12-64202710-G-A.
Other names: c.390G>A, p.Lys130= (NM_001278237.2).
Identifiers: ClinVar variation 510056 (VCV000510056.11), dbSNP rs145999803, ClinGen allele CA6666258.